The following is an entry in ClinVar:

ClinVar aggregate classification (germline): Uncertain significance (1 of 4 stars; one submission).

gnomAD v4.1: 8 of 1,614,062 alleles (0.0005%); highest among the groups gnomAD compares: Admixed American, 0.013%; no homozygotes.

Submission:

CeGaT Center for Human Genetics Tuebingen
Classification: Uncertain significance. Last evaluated: 2026-09-01. Review status: criteria provided, single submitter. Criteria: CeGaT Center For Human Genetics Tuebingen Variant Classification Criteria Version 2. Collection method: clinical testing. Allele origin: germline. Affected: yes. Observed: 1 variant allele.
Comment: CCT3: PP3

NM_005998.5(CCT3):c.196A>G (p.Ile66Val)

Gene: CCT3 (chaperonin containing TCP1 subunit 3; minus strand). Cytogenetic location: 1q22.
Variant type: single nucleotide variant.
Coding change: c.196A>G on transcript NM_005998.5 (MANE Select); coding-DNA position 196, A replaced by G.
Protein change: p.Ile66Val; replaces isoleucine 66 with valine.
Molecular consequence: missense variant. On other transcripts: non-coding transcript variant (2), intron variant (1).
Genome position (GRCh38, 1-based): chr1:156,334,724, T>C on the plus strand (A>G on the coding strand, the complement: CCT3 is on the minus strand). VCF-style: chr1-156334724-T-C. GRCh37 (hg19) VCF-style: chr1-156304515-T-C.
Other names: c.94-1081A>G (NM_001008800.3); short protein forms I66V.
Identifiers: ClinVar variation 5041646 (VCV005041646.1).